The following is an entry in ClinVar:

ClinVar aggregate classification (germline): Conflicting classifications of pathogenicity. Review status: criteria provided, conflicting classifications (1 of 4 stars). 3 submissions from 3 submitters: Uncertain significance (2); Likely benign (1). Last evaluated 2025-07-23.

Conditions:
Multiple endocrine neoplasia, type 2 (MEN2). Identifiers: Orphanet 653, MedGen C4048306, MONDO:0019003. Disease mechanism: gain of function.
Hereditary cancer-predisposing syndrome. Also called: Neoplastic Syndromes, Hereditary; Tumor predisposition; Hereditary Cancer Syndrome; Hereditary neoplastic syndrome. Identifiers: Orphanet 140162, MedGen C0027672, MeSH D009386, MONDO:0015356.

Allele frequency attached by ClinVar (database versions not stated): gnomAD exomes below 0.00001; ExAC 0.00001.
gnomAD v4.1: 4 of 1,614,222 alleles (0.00025%); highest among the groups gnomAD compares: Admixed American, 0.0017%; no homozygotes.

Submissions (3):

Labcorp Genetics (formerly Invitae), Labcorp
Classification: Uncertain significance for Multiple endocrine neoplasia, type 2. Last evaluated: 2025-07-23. Review status: criteria provided, single submitter. Criteria: Invitae Variant Classification Sherloc (09022015). Collection method: clinical testing. Allele origin: germline.
Comment: This sequence change replaces proline, which is neutral and non-polar, with serine, which is neutral and polar, at codon 182 of the RET protein (p.Pro182Ser). This variant is present in population databases (rs775086466, gnomAD 0.0009%). This variant has not been reported in the literature in individuals affected with RET-related conditions. ClinVar contains an entry for this variant (Variation ID: 232332). An algorithm developed to predict the effect of missense changes on protein structure and function outputs the following: PolyPhen-2: "Benign". The serine amino acid residue is found in multiple mammalian species, which suggests that this missense change does not adversely affect protein function. In summary, the available evidence is currently insufficient to determine the role of this variant in disease. Therefore, it has been classified as a Variant of Uncertain Significance.

Ambry Genetics
Classification: Likely benign for Hereditary cancer-predisposing syndrome. Last evaluated: 2024-01-11. Review status: criteria provided, single submitter. Criteria: Ambry Variant Classification Scheme 2023. Collection method: clinical testing. Allele origin: germline.

All of Us Research Program, National Institutes of Health
Classification: Uncertain significance for Multiple endocrine neoplasia, type 2. Last evaluated: 2023-10-02. Review status: criteria provided, single submitter. Criteria: ACMG Guidelines, 2015. Collection method: clinical testing. Allele origin: germline. Inheritance: Autosomal dominant inheritance. Observed: 1 variant allele, 1 heterozygote.
Comment: This missense variant replaces proline with serine at codon 182 of the RET protein. Computational prediction suggests that this variant may not impact protein structure and function (internally defined REVEL score threshold <= 0.5, PMID: 27666373). To our knowledge, functional studies have not been reported for this variant. This variant has not been reported in individuals affected with RET-related disorders in the literature. This variant has been identified in 1/251374 chromosomes in the general population by the Genome Aggregation Database (gnomAD). The available evidence is insufficient to determine the role of this variant in disease conclusively. Therefore, this variant is classified as a Variant of Uncertain Significance.

This study involves interpretation of variants in research participants for the purpose of population health screening. Participant phenotype was not available at the time of variant classification. Additional details can be found in publication PMID: 35346344, PMCID: PMC8962531

NM_020975.6(RET):c.544C>T (p.Pro182Ser)

Gene: RET (ret proto-oncogene; plus strand). Cytogenetic location: 10q11.21.
Variant type: single nucleotide variant.
Coding change: c.544C>T on transcript NM_020975.6 (MANE Select); coding-DNA position 544, C replaced by T.
Protein change: p.Pro182Ser; replaces proline 182 with serine.
Molecular consequence: missense variant.
Genome position (GRCh38, 1-based): chr10:43,102,548, C>T. VCF-style: chr10-43102548-C-T. GRCh37 (hg19) VCF-style: chr10-43597996-C-T.
Other names: c.544C>T, p.Pro182Ser (NM_000323.2, NM_001406743.1, NM_001406744.1 and 16 more transcripts); c.415C>T, p.Pro139Ser (NM_001406761.1, NM_001406762.1, NM_001406764.1 and 4 more transcripts); short protein forms P182S, P139S.
Identifiers: ClinVar variation 232332 (VCV000232332.15), dbSNP rs775086466, ClinGen allele CA043927.
Genomic context (GRCh38, chr10:43,102,548, plus strand): 5'-CCCCGGGAGCTCTGCTTCCCAGAGACAAGGCCCTCCTTCCGCATTCGGGAGAACCGACCC[C>T]CAGGCACCTTCCACCAGTTCCGCCTGCTGCCTGTGCAGTTCTTGTGCCCCAACATCAGCG-3'
Protein context (NP_066124.1, residues 172-192): PSFRIRENRP[Pro182Ser]GTFHQFRLLP